The following is an entry in ClinVar:

NM_014956.5(CEP164):c.4126A>C (p.Thr1376Pro)

Gene: CEP164 (centrosomal protein 164; plus strand). Cytogenetic location: 11q23.3.
Variant type: single nucleotide variant.
Coding change: c.4126A>C on transcript NM_014956.5 (MANE Select); coding-DNA position 4126, A replaced by C.
Protein change: p.Thr1376Pro; replaces threonine 1376 with proline.
Molecular consequence: missense variant.
Genome position (GRCh38, 1-based): chr11:117,410,857, A>C. VCF-style: chr11-117410857-A-C. GRCh37 (hg19) VCF-style: chr11-117281573-A-C.
Other names: c.4111A>C, p.Thr1371Pro (NM_001271933.2); c.4132A>C, p.Thr1378Pro (NM_001440949.1); c.4126A>C, p.Thr1376Pro (NM_001440950.1, NM_001440951.1); c.4117A>C, p.Thr1373Pro (NM_001440952.1); c.4102A>C, p.Thr1368Pro (NM_001440953.1); c.4048A>C, p.Thr1350Pro (NM_001440954.1, NM_001440955.1); c.4039A>C, p.Thr1347Pro (NM_001440956.1); c.4036A>C, p.Thr1346Pro (NM_001440957.1); and 21 more; short protein forms T1231P, T1248P, T1293P, T1298P, T1347P, T1371P, T1376P, T1272P.
Identifiers: ClinVar variation 4999190 (VCV004999190.1).

ClinVar aggregate classification (germline): Uncertain significance (1 of 4 stars; one submission).

Conditions:
CEP164-related disorder. Also called: CEP164-related condition.

gnomAD v4.1: 4 of 1,612,918 alleles (0.00025%); highest among the groups gnomAD compares: Non-Finnish European, 0.00034%; no homozygotes.

Submission:

PreventionGenetics, part of Exact Sciences
Classification: Uncertain significance for CEP164-related condition. Last evaluated: 2024-11-22. Review status: criteria provided, single submitter. Criteria: ACMG Guidelines, 2015. Collection method: clinical testing. Allele origin: germline.
Comment: The CEP164 c.4126A>C variant is predicted to result in the amino acid substitution p.Thr1376Pro. To our knowledge, this variant has not been reported in the literature. This variant is reported in 0.0018% of alleles in individuals of European (Non-Finnish) descent in gnomAD. At this time, the clinical significance of this variant is uncertain due to the absence of conclusive functional and genetic evidence.